The following is an entry in ClinVar:

NM_005413.4(SIX3):c.770G>C (p.Arg257Pro)

Gene: SIX3 (SIX homeobox 3; plus strand). Cytogenetic location: 2p21.
Variant type: single nucleotide variant.
Coding change: c.770G>C on transcript NM_005413.4 (MANE Select); coding-DNA position 770, G replaced by C.
Protein change: p.Arg257Pro; replaces arginine 257 with proline.
Molecular consequence: missense variant.
Genome position (GRCh38, 1-based): chr2:44,942,874, G>C. VCF-style: chr2-44942874-G-C. GRCh37 (hg19) VCF-style: chr2-45170013-G-C.
Other names: 770C>G; short protein forms R257P.
Identifiers: ClinVar variation 6094 (VCV000006094.4), dbSNP rs121917879, ClinGen allele CA340520.

ClinVar aggregate classification (germline): Likely pathogenic. Review status: criteria provided, single submitter (1 of 4 stars). 3 submissions from 3 submitters: Likely pathogenic (1). 2 of the submissions do not count toward it. Last evaluated 2019-08-02.

Conditions:
Holoprosencephaly 2 (HPE2). Identifiers: Orphanet 2162, MedGen C1834877, MONDO:0007999, OMIM 157170.

Submissions (3):

Labcorp Genetics (formerly Invitae), Labcorp
Classification: Likely pathogenic for Holoprosencephaly 2. Last evaluated: 2019-08-02. Review status: criteria provided, single submitter. Criteria: Invitae Variant Classification Sherloc (09022015). Collection method: clinical testing. Allele origin: germline.
Comment: This sequence change replaces arginine with proline at codon 257 of the SIX3 protein (p.Arg257Pro). The arginine residue is highly conserved and there is a moderate physicochemical difference between arginine and proline. This variant is not present in population databases (ExAC no frequency). This variant has been observed in individuals affected with holoprosencephaly (PMID: 10369266, Invitae). In at least one individual the data is consistent with the variant being de novo. ClinVar contains an entry for this variant (Variation ID: 6094). This variant has been reported to have conflicting or insufficient data to determine the effect on SIX3 protein function using different gene targets (PMID:15523651, 19346217). This variant disrupts the p.Arg257 amino acid residue in SIX3. Other variant(s) that disrupt this residue have been observed in individuals with SIX3-related conditions (PMID:20531442, 15221788, 18791198), which suggests that this may be a clinically significant amino acid residue. In summary, the currently available evidence indicates that the variant is pathogenic, but additional data are needed to prove that conclusively. Therefore, this variant has been classified as Likely Pathogenic.

GeneReviews
Classification: Pathogenic for Holoprosencephaly. Last evaluated: 2013-08-29. Review status: no assertion criteria provided. Collection method: curation. Allele origin: unknown. Not counted in ClinVar's aggregate classification.
ClinVar note: Converted during submission from pathologic to Pathogenic.

OMIM
Classification: Pathogenic for HOLOPROSENCEPHALY 2. Last evaluated: 2004-12-01. Review status: no assertion criteria provided. Collection method: literature only. Allele origin: germline. Not counted in ClinVar's aggregate classification.

Literature cited by the submitters: PubMed 15221788 (cited by Labcorp Genetics (formerly Invitae), Labcorp); PubMed 20531442 (cited by Labcorp Genetics (formerly Invitae), Labcorp); PubMed 10369266 (cited by Labcorp Genetics (formerly Invitae), Labcorp and OMIM); PubMed 15523651 (cited by Labcorp Genetics (formerly Invitae), Labcorp and OMIM); PubMed 19346217 (cited by Labcorp Genetics (formerly Invitae), Labcorp); PubMed 18791198 (cited by Labcorp Genetics (formerly Invitae), Labcorp).